The following is an entry in ClinVar:

ClinVar aggregate classification (germline): Uncertain significance (1 of 4 stars; one submission).

Submission:

GeneDx
Classification: Uncertain significance. Last evaluated: 2026-01-27. Review status: criteria provided, single submitter. Criteria: GeneDx Variant Classification Process June 2021. Collection method: clinical testing. Allele origin: germline.
Comment: Not observed at significant frequency in large population cohorts (gnomAD); Has not been previously published as pathogenic or benign to our knowledge; In silico analysis supports that this missense variant has a deleterious effect on protein structure/function

NM_001438.4(ESRRG):c.1342A>C (p.Lys448Gln)

Gene: ESRRG (estrogen related receptor gamma; minus strand). Cytogenetic location: 1q41.
Variant type: single nucleotide variant.
Coding change: c.1342A>C on transcript NM_001438.4 (MANE Select); coding-DNA position 1342, A replaced by C.
Protein change: p.Lys448Gln; replaces lysine 448 with glutamine.
Molecular consequence: missense variant.
Genome position (GRCh38, 1-based): chr1:216,506,974, T>G on the plus strand (A>C on the coding strand, the complement: ESRRG is on the minus strand). VCF-style: chr1-216506974-T-G. GRCh37 (hg19) VCF-style: chr1-216680316-T-G.
Other names: c.1273A>C, p.Lys425Gln (NM_001134285.3, NM_001243509.2, NM_001243510.3 and 12 more transcripts); c.589A>C, p.Lys197Gln (NM_001243505.2); c.787A>C, p.Lys263Gln (NM_001243506.2); c.1156A>C, p.Lys386Gln (NM_001243507.2); c.1378A>C, p.Lys460Gln (NM_001243518.2); short protein forms K197Q, K263Q, K386Q, K425Q, K448Q, K460Q.
Identifiers: ClinVar variation 4975250 (VCV004975250.1).